The following is an entry in ClinVar:

ClinVar aggregate classification (germline): Pathogenic (1 of 4 stars; one submission).

Submission:

Labcorp Genetics (formerly Invitae), Labcorp
Classification: Pathogenic. Last evaluated: 2023-06-19. Review status: criteria provided, single submitter. Criteria: Invitae Variant Classification Sherloc (09022015). Collection method: clinical testing. Allele origin: germline.
Comment: This sequence change creates a premature translational stop signal (p.Ala480Hisfs*9) in the TCIRG1 gene. It is expected to result in an absent or disrupted protein product. Loss-of-function variants in TCIRG1 are known to be pathogenic (PMID: 10888887, 10942435, 11532986, 19448635). This variant is not present in population databases (gnomAD no frequency). This premature translational stop signal has been observed in individual(s) with osteopetrosis (PMID: 10942435). For these reasons, this variant has been classified as Pathogenic.

Literature cited by the submitters: PubMed 10888887; PubMed 10942435; PubMed 11532986; PubMed 19448635.

NM_006019.4(TCIRG1):c.1438_1439del (p.Ala480fs)

Gene: TCIRG1 (T cell immune regulator 1, ATPase H+ transporting V0 subunit a3; plus strand). Cytogenetic location: 11q13.2.
Variant type: Deletion.
Coding change: c.1438_1439del on transcript NM_006019.4 (MANE Select); coding-DNA positions 1438 to 1439, 2 bases deleted (GC; older notation c.1438_1439delGC).
Protein change: p.Ala480fs; shifts the reading frame from alanine 480.
Molecular consequence: frameshift variant.
Genome position (GRCh38, 1-based): chr11:68,047,779-68,047,780, GC deleted; deleting any 2 consecutive bases within chr11:68,047,778-68,047,780 gives the same sequence; the c. name uses the placement nearest the transcript's 3' end. VCF-style (leftmost placement, unchanged base first): chr11-68047777-CCG-C. GRCh37 (hg19) VCF-style: chr11-67815244-CCG-C.
Other names: c.544_545del, p.Ala182fs (NM_001351059.2); c.790_791del, p.Ala264fs (NM_006053.4); short protein forms A480fs, A182fs, A264fs.
Identifiers: ClinVar variation 2735680 (VCV002735680.3), dbSNP rs2495647817, ClinGen allele CA2695214873.